The following is an entry in ClinVar:

NM_057176.3(BSND):c.*24A>C

Gene: BSND (barttin CLCNK type accessory subunit beta; plus strand). Cytogenetic location: 1p32.3.
Variant type: single nucleotide variant.
Coding change: c.*24A>C on transcript NM_057176.3 (MANE Select); 24 bases downstream of the stop codon, A replaced by C.
Molecular consequence: 3 prime UTR variant.
Genome position (GRCh38, 1-based): chr1:55,008,652, A>C. VCF-style: chr1-55008652-A-C. GRCh37 (hg19) VCF-style: chr1-55474325-A-C.
Identifiers: ClinVar variation 297681 (VCV000297681.10), dbSNP rs6682884, ClinGen allele CA871455.

ClinVar aggregate classification (germline): Benign. Review status: criteria provided, multiple submitters, no conflicts (2 of 4 stars). 4 submissions from 4 submitters: Benign (4). Last evaluated 2021-07-10.

Conditions:
Bartter disease type 4A. Also called: BARTTER SYNDROME, NEONATAL, WITH SENSORINEURAL DEAFNESS; BARTTER SYNDROME, TYPE 4A, NEONATAL, WITH SENSORINEURAL DEAFNESS. Identifiers: Orphanet 112, MedGen C1865270, MONDO:0011242, OMIM 602522.

Allele frequency attached by ClinVar (database versions not stated): 1000 Genomes Project 30x 0.36134; 1000 Genomes Project 0.36242; TOPMed 0.41164; gnomAD 0.43300; ESP Exome Variant Server 0.44649.
gnomAD v4.1: 663,521 of 1,613,536 alleles (41%); highest among the groups gnomAD compares: African/African-American, 49%; 139,783 homozygotes.

Submissions (4):

Genome-Nilou Lab
Classification: Benign for Bartter disease type 4A. Last evaluated: 2021-07-10. Review status: criteria provided, single submitter. Criteria: ACMG Guidelines, 2015. Collection method: clinical testing. Allele origin: germline. Affected: no.

GeneDx
Classification: Benign. Last evaluated: 2018-06-22. Review status: criteria provided, single submitter. Criteria: GeneDx Variant Classification Process June 2021. Collection method: clinical testing. Allele origin: germline. Affected: yes.

Illumina Laboratory Services, Illumina
Classification: Benign for Bartter disease type 4A. Last evaluated: 2018-01-12. Review status: criteria provided, single submitter. Criteria: ICSL Variant Classification Criteria 13 December 2019. Collection method: clinical testing. Allele origin: germline.
Comment: This variant was observed in the ICSL laboratory as part of a predisposition screen in an ostensibly healthy population. It had not been previously curated by ICSL or reported in the Human Gene Mutation Database (HGMD: prior to June 1st, 2018), and was therefore a candidate for classification through an automated scoring system. Utilizing variant allele frequency, disease prevalence and penetrance estimates, and inheritance mode, an automated score was calculated to assess if this variant is too frequent to cause the disease. Based on the score and internal cut-off values, a variant classified as benign is not then subjected to further curation. The score for this variant resulted in a classification of benign for this disease.

Breakthrough Genomics
Classification: Benign. Review status: criteria provided, single submitter. Criteria: ACMG Guidelines, 2015. Collection method: not provided. Allele origin: germline. Inheritance: Autosomal recessive inheritance. Affected: yes.